The following is an entry in ClinVar:

NM_006206.6(PDGFRA):c.1657C>T (p.Pro553Ser)

Gene: PDGFRA (platelet derived growth factor receptor alpha; plus strand). Cytogenetic location: 4q12.
Variant type: single nucleotide variant.
Coding change: c.1657C>T on transcript NM_006206.6 (MANE Select); coding-DNA position 1657, C replaced by T.
Protein change: p.Pro553Ser; replaces proline 553 with serine.
Molecular consequence: missense variant.
Genome position (GRCh38, 1-based): chr4:54,274,844, C>T. VCF-style: chr4-54274844-C-T. GRCh37 (hg19) VCF-style: chr4-55141011-C-T.
Other names: c.1657C>T, p.Pro553Ser (NM_001347827.2, NM_001347829.2); c.1732C>T, p.Pro578Ser (NM_001347828.2); c.1696C>T, p.Pro566Ser (NM_001347830.2); short protein forms P553S, P578S, P566S.
Identifiers: ClinVar variation 863526 (VCV000863526.11), dbSNP rs992063980, ClinGen allele CA96859662.

ClinVar aggregate classification (germline): Uncertain significance. Review status: criteria provided, multiple submitters, no conflicts (2 of 4 stars). 2 submissions from 2 submitters: Uncertain significance (2). Last evaluated 2024-11-02.

Conditions:
Hereditary cancer-predisposing syndrome. Also called: Neoplastic Syndromes, Hereditary; Tumor predisposition; Hereditary Cancer Syndrome; Hereditary neoplastic syndrome. Identifiers: Orphanet 140162, MedGen C0027672, MeSH D009386, MONDO:0015356.
Gastrointestinal stromal tumor. Also called: Gastrointestinal stromal tumor, somatic; Gastrointestinal stroma tumor. Identifiers: Orphanet 44890, MedGen C0238198, MeSH D046152, MONDO:0011719, OMIM 606764, HP:0100723.

Allele frequency attached by ClinVar (database versions not stated): TOPMed below 0.00001.

Submissions (2):

Ambry Genetics
Classification: Uncertain significance for Hereditary cancer-predisposing syndrome. Last evaluated: 2024-11-02. Review status: criteria provided, single submitter. Criteria: Ambry Variant Classification Scheme 2023. Collection method: clinical testing. Allele origin: germline.
Comment: The p.P553S variant (also known as c.1657C>T), located in coding exon 11 of the PDGFRA gene, results from a C to T substitution at nucleotide position 1657. The proline at codon 553 is replaced by serine, an amino acid with similar properties. This amino acid position is conserved. In addition, this alteration is predicted to be deleterious by in silico analysis. Based on the available evidence, the clinical significance of this variant remains unclear.

Labcorp Genetics (formerly Invitae), Labcorp
Classification: Uncertain significance for Gastrointestinal stromal tumor. Last evaluated: 2024-04-08. Review status: criteria provided, single submitter. Criteria: Invitae Variant Classification Sherloc (09022015). Collection method: clinical testing. Allele origin: germline.
Comment: This sequence change replaces proline, which is neutral and non-polar, with serine, which is neutral and polar, at codon 553 of the PDGFRA protein (p.Pro553Ser). This variant is not present in population databases (gnomAD no frequency). This variant has not been reported in the literature in individuals affected with PDGFRA-related conditions. ClinVar contains an entry for this variant (Variation ID: 863526). Advanced modeling of protein sequence and biophysical properties (such as structural, functional, and spatial information, amino acid conservation, physicochemical variation, residue mobility, and thermodynamic stability) has been performed at Invitae for this missense variant, however the output from this modeling did not meet the statistical confidence thresholds required to predict the impact of this variant on PDGFRA protein function. In summary, the available evidence is currently insufficient to determine the role of this variant in disease. Therefore, it has been classified as a Variant of Uncertain Significance.